The following is an entry in ClinVar:

ClinVar aggregate classification (germline): Uncertain significance. Review status: criteria provided, multiple submitters, no conflicts (2 of 4 stars). 2 submissions from 2 submitters: Uncertain significance (2). Last evaluated 2026-06-01.

gnomAD v4.1: 32 of 1,613,362 alleles (0.002%); highest among the groups gnomAD compares: African/African-American, 0.027%; no homozygotes.

Submissions (2):

CeGaT Center for Human Genetics Tuebingen
Classification: Uncertain significance. Last evaluated: 2026-06-01. Review status: criteria provided, single submitter. Criteria: CeGaT Center For Human Genetics Tuebingen Variant Classification Criteria Version 2. Collection method: clinical testing. Allele origin: germline. Affected: yes. Observed: 1 variant allele.
Comment: PLXND1: PM2

Ambry Genetics
Classification: Uncertain significance. Last evaluated: 2025-02-20. Review status: criteria provided, single submitter. Criteria: Ambry Variant Classification Scheme 2023. Collection method: clinical testing. Allele origin: germline.

NM_015103.3(PLXND1):c.2705C>A (p.Pro902Gln)

Gene: PLXND1 (plexin D1; minus strand). Cytogenetic location: 3q22.1.
Variant type: single nucleotide variant.
Coding change: c.2705C>A on transcript NM_015103.3 (MANE Select); coding-DNA position 2705, C replaced by A.
Protein change: p.Pro902Gln; replaces proline 902 with glutamine.
Molecular consequence: missense variant.
Genome position (GRCh38, 1-based): chr3:129,573,726, G>T on the plus strand (C>A on the coding strand, the complement: PLXND1 is on the minus strand). VCF-style: chr3-129573726-G-T. GRCh37 (hg19) VCF-style: chr3-129292569-G-T.
Other names: short protein forms P902Q.
Identifiers: ClinVar variation 2258975 (VCV002258975.5), dbSNP rs775659642, ClinGen allele CA2608906.